The following is an entry in ClinVar:

NM_025137.4(SPG11):c.6946T>C (p.Leu2316=)

Gene: SPG11 (SPG11 vesicle trafficking associated, spatacsin; minus strand). Cytogenetic location: 15q21.1.
Variant type: single nucleotide variant.
Coding change: c.6946T>C on transcript NM_025137.4 (MANE Select); coding-DNA position 6946, T replaced by C.
Protein change: p.Leu2316=; no amino-acid change (leucine 2316 retained).
Molecular consequence: synonymous variant.
Genome position (GRCh38, 1-based): chr15:44,565,907, A>G on the plus strand (T>C on the coding strand, the complement: SPG11 is on the minus strand). VCF-style: chr15-44565907-A-G. GRCh37 (hg19) VCF-style: chr15-44858105-A-G.
Other names: c.6946T>C (NM_025137.3); c.6607T>C, p.Leu2203= (NM_001160227.2); c.6802T>C, p.Leu2268= (NM_001411132.1).
Identifiers: ClinVar variation 3017096 (VCV003017096.4), dbSNP rs2082297818, ClinGen allele CA490329241.

ClinVar aggregate classification (germline): Likely benign. Review status: criteria provided, multiple submitters, no conflicts (2 of 4 stars). 2 submissions from 2 submitters: Likely benign (2). Last evaluated 2025-07-16.

Conditions:
Hereditary spastic paraplegia 11. Also called: Spastic paraplegia, mental retardation and thin corpus callosum; SPASTIC PARAPLEGIA, AUTOSOMAL RECESSIVE, COMPLICATED, WITH THIN CORPUS CALLOSUM; SPASTIC PARAPLEGIA, AUTOSOMAL RECESSIVE, WITH MENTAL IMPAIRMENT AND THIN CORPUS CALLOSUM; Nakamura Osame syndrome; Autosomal recessive hereditary spastic paraplegia, mental impairment, and thin corpus callosum; Spastic Paraplegia 11. Identifiers: Orphanet 2822, MedGen C1858479, MONDO:0011445, OMIM 604360.
SPG11-related disorder. Also called: SPG11-related condition.

Allele frequency attached by ClinVar (database versions not stated): gnomAD exomes below 0.00001.
gnomAD v4.1: 1 of 1,613,810 alleles (0.000062%); highest among the groups gnomAD compares: Non-Finnish European, 0.000085%; no homozygotes.

Submissions (2):

PreventionGenetics, part of Exact Sciences
Classification: Likely benign for SPG11-related condition. Last evaluated: 2025-07-16. Review status: criteria provided, single submitter. Criteria: ACMG Guidelines, 2015. Collection method: clinical testing. Allele origin: germline.
Comment: This variant is classified as likely benign based on ACMG/AMP sequence variant interpretation guidelines (Richards et al. 2015 PMID: 25741868, with internal and published modifications).

Labcorp Genetics (formerly Invitae), Labcorp
Classification: Likely benign for Hereditary spastic paraplegia 11. Last evaluated: 2023-06-05. Review status: criteria provided, single submitter. Criteria: Invitae Variant Classification Sherloc (09022015). Collection method: clinical testing. Allele origin: germline.